The following is an entry in ClinVar:

ClinVar aggregate classification (germline): Uncertain significance (1 of 4 stars; one submission).

Conditions:
Hereditary sensory and autonomic neuropathy type 6. Also called: Neuropathy, hereditary sensory and autonomic, type VI; HSAN VI. Identifiers: Orphanet 314381, MedGen C3539003, MONDO:0013839, OMIM 614653.
Epidermolysis bullosa simplex 3, localized or generalized intermediate, with BP230 deficiency (EBS3). Also called: Epidermolysis bullosa simplex due to BP230 deficiency; Epidermolysis bullosa simplex, autosomal recessive 2. Identifiers: Orphanet 412181, MedGen C3809470, MONDO:0014180, OMIM 615425.

Allele frequency attached by ClinVar (database versions not stated): gnomAD exomes 0.00001.
gnomAD v4.1: 4 of 1,614,218 alleles (0.00025%); highest among the groups gnomAD compares: South Asian, 0.0044%; no homozygotes.

Submission:

Labcorp Genetics (formerly Invitae), Labcorp
Classification: Uncertain significance for Epidermolysis bullosa simplex 3, localized or generalized intermediate, with BP230 deficiency; Hereditary sensory and autonomic neuropathy type 6. Last evaluated: 2019-06-28. Review status: criteria provided, single submitter. Criteria: Invitae Variant Classification Sherloc (09022015). Collection method: clinical testing. Allele origin: germline.
Comment: This sequence change replaces threonine with alanine at codon 1872 of the DST protein (p.Thr1872Ala). The threonine residue is weakly conserved and there is a small physicochemical difference between threonine and alanine. This variant is not present in population databases (ExAC no frequency). This variant has not been reported in the literature in individuals with DST-related disease. Algorithms developed to predict the effect of missense changes on protein structure and function (SIFT, PolyPhen-2, Align-GVGD) all suggest that this variant is likely to be tolerated, but these predictions have not been confirmed by published functional studies and their clinical significance is uncertain. In summary, the available evidence is currently insufficient to determine the role of this variant in disease. Therefore, it has been classified as a Variant of Uncertain Significance.

NM_001723.7(DST):c.5614A>G (p.Thr1872Ala)

Gene: DST (dystonin; minus strand). Cytogenetic location: 6p12.1.
Variant type: single nucleotide variant.
Coding change: c.5614A>G on transcript NM_001723.7 (MANE Plus Clinical); coding-DNA position 5614, A replaced by G.
Protein change: p.Thr1872Ala; replaces threonine 1872 with alanine.
Molecular consequence: missense variant. On other transcripts: intron variant (10).
Genome position (GRCh38, 1-based): chr6:56,618,420, T>C on the plus strand (A>G on the coding strand, the complement: DST is on the minus strand). VCF-style: chr6-56618420-T-C. GRCh37 (hg19) VCF-style: chr6-56483218-T-C.
Other names: c.4831-3936A>G (NM_001144769.5); c.4930-3936A>G (NM_001374722.1, NM_001374736.1); c.4957-3936A>G (NM_001374734.1); c.4417-3936A>G (NM_001144770.2); c.4297-3936A>G (NM_001374730.1, NM_001386100.1, NM_183380.4 and 1 more transcripts); c.3319-3936A>G (NM_015548.5); short protein forms T1872A.
Identifiers: ClinVar variation 652885 (VCV000652885.11), dbSNP rs1013076961, ClinGen allele CA139208894.
Genomic context (GRCh38, chr6:56,618,420, plus strand): 5'-AGTGCTGGCACTCCTTCACTGTCATCTCAAAATCTGGTTTGAAGGTACAGTCTTTGGCTG[T>C]GCTCTTTTTTTGAATTTCACACTGGAGCAAAACTAATTGATGTTCATGCTCTTTGATCTG-3'
Protein context (NP_001714.1, residues 1862-1882): LLQCEIQKKS[Thr1872Ala]AKDCTFKPDF